The following is an entry in ClinVar:

ClinVar aggregate classification (germline): Uncertain significance (1 of 4 stars; one submission).

Conditions:
Beckwith-Wiedemann syndrome (BWS). Also called: Exomphalos macroglossia gigantism syndrome; EMG SYNDROME. Identifiers: Orphanet 116, MedGen C0004903, MONDO:0007534, OMIM 130650.

Allele frequency attached by ClinVar (database versions not stated): gnomAD exomes below 0.00001; gnomAD 0.00001.

Submission:

Labcorp Genetics (formerly Invitae), Labcorp
Classification: Uncertain significance for Beckwith-Wiedemann syndrome. Last evaluated: 2024-04-03. Review status: criteria provided, single submitter. Criteria: Invitae Variant Classification Sherloc (09022015). Collection method: clinical testing. Allele origin: germline.
Comment: This sequence change replaces proline, which is neutral and non-polar, with leucine, which is neutral and non-polar, at codon 160 of the CDKN1C protein (p.Pro160Leu). This variant is not present in population databases (gnomAD no frequency). This variant has not been reported in the literature in individuals affected with CDKN1C-related conditions. ClinVar contains an entry for this variant (Variation ID: 1054978). Advanced modeling of protein sequence and biophysical properties (such as structural, functional, and spatial information, amino acid conservation, physicochemical variation, residue mobility, and thermodynamic stability) performed at Invitae indicates that this missense variant is not expected to disrupt CDKN1C protein function with a negative predictive value of 80%. In summary, the available evidence is currently insufficient to determine the role of this variant in disease. Therefore, it has been classified as a Variant of Uncertain Significance.

NM_001122630.2(CDKN1C):c.446C>T (p.Pro149Leu)

Gene: CDKN1C (cyclin dependent kinase inhibitor 1C; minus strand). Cytogenetic location: 11p15.4.
Variant type: single nucleotide variant.
Coding change: c.446C>T on transcript NM_001122630.2 (MANE Select); coding-DNA position 446, C replaced by T.
Protein change: p.Pro149Leu; replaces proline 149 with leucine.
Molecular consequence: missense variant. On other transcripts: intron variant (1).
Genome position (GRCh38, 1-based): chr11:2,885,011, G>A on the plus strand (C>T on the coding strand, the complement: CDKN1C is on the minus strand). VCF-style: chr11-2885011-G-A. GRCh37 (hg19) VCF-style: chr11-2906241-G-A.
Other names: c.479C>T, p.Pro160Leu (NM_000076.2, NM_001362474.2); c.446C>T, p.Pro149Leu (NM_001122631.2); c.255+191C>T (NM_001362475.2); short protein forms P149L, P160L.
Identifiers: ClinVar variation 1054978 (VCV001054978.9), dbSNP rs1848950838, ClinGen allele CA379146618.